The following is an entry in ClinVar:

NM_001330260.2(SCN8A):c.297A>C (p.Arg99Ser)

Gene: SCN8A (sodium voltage-gated channel alpha subunit 8; plus strand). Cytogenetic location: 12q13.13.
Variant type: single nucleotide variant.
Coding change: c.297A>C on transcript NM_001330260.2 (MANE Select); coding-DNA position 297, A replaced by C.
Protein change: p.Arg99Ser; replaces arginine 99 with serine.
Molecular consequence: missense variant.
Genome position (GRCh38, 1-based): chr12:51,684,194, A>C. VCF-style: chr12-51684194-A-C. GRCh37 (hg19) VCF-style: chr12-52077978-A-C.
Other names: c.297A>C, p.Arg99Ser (NM_001177984.3, NM_001369788.1, NM_014191.4); short protein forms R99S.
Identifiers: ClinVar variation 633702 (VCV000633702.6), dbSNP rs1565885985, ClinGen allele CA385220641.

ClinVar aggregate classification (germline): Uncertain significance. Review status: criteria provided, multiple submitters, no conflicts (2 of 4 stars). 2 submissions from 2 submitters: Uncertain significance (2). Last evaluated 2022-07-11.

Conditions:
Early-infantile DEE. Also called: Early infantile epileptic encephalopathy; Early infantile epileptic encephalopathy with suppression bursts; Ohtahara syndrome. Identifiers: Orphanet 1934, MedGen C0393706, MONDO:0800491.
Developmental and epileptic encephalopathy, 13 (DEE13). Also called: SCN8A-Related Epilepsy; Developmental and Epileptic Encephalopathy (SCN8A-DEE); Early infantile epileptic encephalopathy 13. Identifiers: Orphanet 442835, MedGen C3281191, MONDO:0013801, OMIM 614558.

Submissions (2):

Labcorp Genetics (formerly Invitae), Labcorp
Classification: Uncertain significance for Early-infantile DEE. Last evaluated: 2022-07-11. Review status: criteria provided, single submitter. Criteria: Invitae Variant Classification Sherloc (09022015). Collection method: clinical testing. Allele origin: germline.
Comment: This variant has not been reported in the literature in individuals affected with SCN8A-related conditions. In summary, the available evidence is currently insufficient to determine the role of this variant in disease. Therefore, it has been classified as a Variant of Uncertain Significance. Algorithms developed to predict the effect of sequence changes on RNA splicing suggest that this variant may create or strengthen a splice site. Algorithms developed to predict the effect of missense changes on protein structure and function are either unavailable or do not agree on the potential impact of this missense change (SIFT: "Deleterious"; PolyPhen-2: "Benign"; Align-GVGD: "Class C0"). ClinVar contains an entry for this variant (Variation ID: 633702). This variant is not present in population databases (gnomAD no frequency). This sequence change replaces arginine, which is basic and polar, with serine, which is neutral and polar, at codon 99 of the SCN8A protein (p.Arg99Ser).

Clinical Molecular Genetics Laboratory, Johns Hopkins All Children's Hospital
Classification: Uncertain significance for Early infantile epileptic encephalopathy 13. Last evaluated: 2019-05-29. Review status: criteria provided, single submitter. Criteria: ACMG Guidelines, 2015. Collection method: clinical testing. Allele origin: germline. Inheritance: Autosomal dominant inheritance. Affected: yes. Observed: 1 heterozygote.